The following is an entry in ClinVar:

ClinVar aggregate classification (germline): Uncertain significance. Review status: criteria provided, multiple submitters, no conflicts (2 of 4 stars). 6 submissions from 6 submitters: Uncertain significance (6). Last evaluated 2026-04-21.

Conditions:
Inborn genetic diseases. Identifiers: MedGen C0950123, MeSH D030342.
Spondyloepimetaphyseal dysplasia with joint laxity (SEMDJL). Identifiers: MedGen C0432243, MONDO:0019675.
Ehlers-Danlos syndrome, spondylodysplastic type, 2 (EDSSPD2). Also called: Ehlers-Danlos syndrome, progeroid type, 2. Identifiers: Orphanet 536467, Orphanet 75496, MedGen C3809210, MONDO:0014139, OMIM 615349.

Allele frequency attached by ClinVar (database versions not stated): gnomAD exomes 0.00005; TOPMed 0.00005; gnomAD 0.00009 and 0.00011; ExAC 0.00011.

Submissions (6):

Women's Health and Genetics/Laboratory Corporation of America, LabCorp
Classification: Uncertain significance. Last evaluated: 2026-04-21. Review status: criteria provided, single submitter. Criteria: LabCorp Variant Classification Summary - May 2015. Collection method: clinical testing. Allele origin: germline.
Comment: Variant summary: B3GALT6 c.818A>G (p.Asn273Ser) results in a conservative amino acid change in the encoded protein sequence. Algorithms developed to predict the effect of missense changes on protein structure and function are either unavailable or do not agree on the potential impact of this missense change. The variant allele was found at a frequency of 4.8e-05 in 166266 control chromosomes. The available data on variant occurrences in the general population are insufficient to allow any conclusion about variant significance. To our knowledge, no occurrence of c.818A>G in individuals affected with B3GALT6-related conditions and no experimental evidence demonstrating its impact on protein function have been reported. ClinVar contains an entry for this variant (Variation ID: 453100). Based on the evidence outlined above, the variant was classified as uncertain significance.

Ambry Genetics
Classification: Uncertain significance for Inborn genetic diseases. Last evaluated: 2025-05-18. Review status: criteria provided, single submitter. Criteria: Ambry Variant Classification Scheme 2023. Collection method: clinical testing. Allele origin: germline.

GeneDx
Classification: Uncertain significance. Last evaluated: 2025-02-11. Review status: criteria provided, single submitter. Criteria: GeneDx Variant Classification Process June 2021. Collection method: clinical testing. Allele origin: germline. Affected: yes.
Comment: In silico analysis supports that this missense variant has a deleterious effect on protein structure/function; Has not been previously published as pathogenic or benign to our knowledge

Blueprint Genetics
Classification: Uncertain significance. Last evaluated: 2024-11-06. Review status: criteria provided, single submitter. Criteria: ACMG Guidelines, 2015. Collection method: clinical testing. Allele origin: germline.

Labcorp Genetics (formerly Invitae), Labcorp
Classification: Uncertain significance for Ehlers-Danlos syndrome, spondylodysplastic type, 2; Spondyloepimetaphyseal dysplasia with joint laxity. Last evaluated: 2022-04-23. Review status: criteria provided, single submitter. Criteria: Invitae Variant Classification Sherloc (09022015). Collection method: clinical testing. Allele origin: germline.
Comment: This sequence change replaces asparagine, which is neutral and polar, with serine, which is neutral and polar, at codon 273 of the B3GALT6 protein (p.Asn273Ser). This variant is present in population databases (rs759357299, gnomAD 0.04%). This variant has not been reported in the literature in individuals affected with B3GALT6-related conditions. ClinVar contains an entry for this variant (Variation ID: 453100). Algorithms developed to predict the effect of missense changes on protein structure and function are either unavailable or do not agree on the potential impact of this missense change (SIFT: "Tolerated"; PolyPhen-2: "Probably Damaging"; Align-GVGD: "Class C0"). In summary, the available evidence is currently insufficient to determine the role of this variant in disease. Therefore, it has been classified as a Variant of Uncertain Significance.

Victorian Clinical Genetics Services, Murdoch Childrens Research Institute
Classification: Uncertain significance for Ehlers-Danlos syndrome, spondylodysplastic type, 2. Last evaluated: 2021-05-06. Review status: criteria provided, single submitter. Criteria: ACMG Guidelines, 2015. Collection method: clinical testing. Allele origin: germline. Inheritance: Autosomal recessive inheritance. Affected: yes.
Comment: Based on the classification scheme VCGS_Germline_v1.3.4, this variant is classified as VUS-3B. Following criteria are met: 0102 - Loss of function is a known mechanism of disease in this gene and is associated with spondyloepimetaphyseal dysplasia with joint laxity, type 1, with or without fractures (MIM#271640), Ehlers-Danlos syndrome, spondylodysplastic type, 2 ( MIM# 615349) and Al-Gazali syndrome (MIM# 609465). (I) 0106 - This gene is associated with autosomal recessive disease. (I) 0200 - Variant is predicted to result in a missense amino acid change from asparagine to serine. (I) 0252 - This variant is homozygous. (I) 0304 - Variant is present in gnomAD <0.01 for a recessive condition (v3: 16 heterozygotes, 0 homozygotes). (SP) 0502 - Missense variant with conflicting in silico predictions and uninformative conservation. (I) 0604 - Variant is not located in an established domain, motif, hotspot or informative constraint region. (I) 0705 - No comparable missense variants have previous evidence for pathogenicity. (I) 0809 - Previous evidence of pathogenicity for this variant is inconclusive. It has been reported as a VUS by a diagnostic laboratory in ClinVar.. (I) 0905 - No published segregation evidence has been identified for this variant. (I) 1007 - No published functional evidence has been identified for this variant. (I) 1208 - Inheritance information for this variant is not currently available in this individual. (I) Legend: (SP) - Supporting pathogenic, (I) - Information, (SB) - Supporting benign

NM_080605.4(B3GALT6):c.818A>G (p.Asn273Ser)

Gene: B3GALT6 (beta-1,3-galactosyltransferase 6; plus strand). Cytogenetic location: 1p36.33.
Variant type: single nucleotide variant.
Coding change: c.818A>G on transcript NM_080605.4 (MANE Select); coding-DNA position 818, A replaced by G.
Protein change: p.Asn273Ser; replaces asparagine 273 with serine.
Molecular consequence: missense variant.
Genome position (GRCh38, 1-based): chr1:1,233,096, A>G. VCF-style: chr1-1233096-A-G. GRCh37 (hg19) VCF-style: chr1-1168476-A-G.
Other names: short protein forms N273S.
Identifiers: ClinVar variation 453100 (VCV000453100.16), dbSNP rs759357299, ClinGen allele CA513445.